The following is an entry in ClinVar:

ClinVar aggregate classification (germline): Uncertain significance (1 of 4 stars; one submission).

Conditions:
Peroxisome biogenesis disorder. Identifiers: Orphanet 79189, MedGen C1832200, MONDO:0019234. Disease mechanism: loss of function.

Allele frequency attached by ClinVar (database versions not stated): gnomAD 0.00001; TOPMed 0.00002.
gnomAD v4.1: 2 of 1,613,936 alleles (0.00012%); highest among the groups gnomAD compares: Admixed American, 0.0033%; no homozygotes.

Submission:

Labcorp Genetics (formerly Invitae), Labcorp
Classification: Uncertain significance for Peroxisome biogenesis disorder. Last evaluated: 2024-04-29. Review status: criteria provided, single submitter. Criteria: Invitae Variant Classification Sherloc (09022015). Collection method: clinical testing. Allele origin: germline.
Comment: This sequence change replaces phenylalanine, which is neutral and non-polar, with tyrosine, which is neutral and polar, at codon 40 of the PEX16 protein (p.Phe40Tyr). This variant is not present in population databases (gnomAD no frequency). This variant has not been reported in the literature in individuals affected with PEX16-related conditions. ClinVar contains an entry for this variant (Variation ID: 1940582). Advanced modeling of protein sequence and biophysical properties (such as structural, functional, and spatial information, amino acid conservation, physicochemical variation, residue mobility, and thermodynamic stability) performed at Invitae indicates that this missense variant is not expected to disrupt PEX16 protein function with a negative predictive value of 80%. In summary, the available evidence is currently insufficient to determine the role of this variant in disease. Therefore, it has been classified as a Variant of Uncertain Significance.

NM_004813.4(PEX16):c.119T>A (p.Phe40Tyr)

Gene: PEX16 (peroxisomal biogenesis factor 16; minus strand). Cytogenetic location: 11p11.2.
Variant type: single nucleotide variant.
Coding change: c.119T>A on transcript NM_004813.4 (MANE Select); coding-DNA position 119, T replaced by A.
Protein change: p.Phe40Tyr; replaces phenylalanine 40 with tyrosine.
Molecular consequence: missense variant.
Genome position (GRCh38, 1-based): chr11:45,917,487, A>T on the plus strand (T>A on the coding strand, the complement: PEX16 is on the minus strand). VCF-style: chr11-45917487-A-T. GRCh37 (hg19) VCF-style: chr11-45939038-A-T.
Other names: c.119T>A, p.Phe40Tyr (NM_057174.3); short protein forms F40Y.
Identifiers: ClinVar variation 1940582 (VCV001940582.4), dbSNP rs2086849601, ClinGen allele CA380230285.